The following is an entry in ClinVar:

NM_001363711.2(DUOX2):c.2649G>C (p.Met883Ile)

Gene: DUOX2 (dual oxidase 2; minus strand). Cytogenetic location: 15q21.1.
Variant type: single nucleotide variant.
Coding change: c.2649G>C on transcript NM_001363711.2 (MANE Select); coding-DNA position 2649, G replaced by C.
Protein change: p.Met883Ile; replaces methionine 883 with isoleucine.
Molecular consequence: missense variant.
Genome position (GRCh38, 1-based): chr15:45,103,965, C>G on the plus strand (G>C on the coding strand, the complement: DUOX2 is on the minus strand). VCF-style: chr15-45103965-C-G. GRCh37 (hg19) VCF-style: chr15-45396163-C-G.
Other names: c.2649G>C, p.Met883Ile (NM_014080.5); short protein forms M883I.
Identifiers: ClinVar variation 4737652 (VCV004737652.1).

ClinVar aggregate classification (germline): Uncertain significance (1 of 4 stars; one submission).

gnomAD v4.1: 1 of 1,614,176 alleles (0.000062%); no homozygotes.

Submission:

Labcorp Genetics (formerly Invitae), Labcorp
Classification: Uncertain significance. Last evaluated: 2025-09-21. Review status: criteria provided, single submitter. Criteria: Invitae Variant Classification Sherloc (09022015). Collection method: clinical testing. Allele origin: germline.
Comment: This sequence change replaces methionine, which is neutral and non-polar, with isoleucine, which is neutral and non-polar, at codon 883 of the DUOX2 protein (p.Met883Ile). This variant is not present in population databases (gnomAD no frequency). This missense change has been observed in individual(s) with autosomal recessive thyroid dyshormonogenesis (PMID: 29546359). Invitae Evidence Modeling of protein sequence and biophysical properties (such as structural, functional, and spatial information, amino acid conservation, physicochemical variation, residue mobility, and thermodynamic stability) indicates that this missense variant is expected to disrupt DUOX2 protein function with a positive predictive value of 80%. In summary, the available evidence is currently insufficient to determine the role of this variant in disease. Therefore, it has been classified as a Variant of Uncertain Significance.

Literature cited by the submitters: PubMed 29546359.